The following is an entry in ClinVar:

NM_000245.4(MET):c.917_919del (p.Lys306del)

Gene: MET (MET proto-oncogene, receptor tyrosine kinase; plus strand). Cytogenetic location: 7q31.2.
Variant type: Deletion.
Coding change: c.917_919del on transcript NM_000245.4 (MANE Select); coding-DNA positions 917 to 919, 3 bases deleted (AGA; older notation c.917_919delAGA).
Protein change: p.Lys306del; deletes lysine 306.
Molecular consequence: inframe deletion. On other transcripts: intron variant (1).
Genome position (GRCh38, 1-based): chr7:116,700,001-116,700,003, AGA deleted; deleting any 3 consecutive bases within chr7:116,700,000-116,700,003 gives the same sequence; the c. name uses the placement nearest the transcript's 3' end. VCF-style (leftmost placement, unchanged base first): chr7-116699999-AAAG-A. GRCh37 (hg19) VCF-style: chr7-116340053-AAAG-A.
Other names: c.917_919del, p.Lys306del (NM_001127500.3, NM_001324401.3); c.-91+27424_-91+27426del (NM_001324402.2); short protein forms K306del.
Identifiers: ClinVar variation 644803 (VCV000644803.10), dbSNP rs1584877929, ClinGen allele CA915945420.

ClinVar aggregate classification (germline): Uncertain significance (1 of 4 stars; one submission).

Conditions:
Renal cell carcinoma. Identifiers: Orphanet 217071, MedGen C0007134, MeSH D002292, MONDO:0005086, HP:0005584.

Submission:

Labcorp Genetics (formerly Invitae), Labcorp
Classification: Uncertain significance for Renal cell carcinoma. Last evaluated: 2018-12-21. Review status: criteria provided, single submitter. Criteria: Invitae Variant Classification Sherloc (09022015). Collection method: clinical testing. Allele origin: germline.
Comment: In summary, the available evidence is currently insufficient to determine the role of this variant in disease. Therefore, it has been classified as a Variant of Uncertain Significance. Experimental studies and prediction algorithms are not available for this variant, and the functional significance of the affected amino acid(s) is currently unknown. This variant has not been reported in the literature in individuals with MET-related conditions. This variant is not present in population databases (ExAC no frequency). This variant, c.917_919del, results in the deletion of 1 amino acid of the MET protein (p.Lys306del), but otherwise preserves the integrity of the reading frame.